The following is an entry in ClinVar:

ClinVar aggregate classification (germline): Uncertain significance (1 of 4 stars; one submission).

Conditions:
Hereditary pheochromocytoma and paraganglioma. Also called: Hereditary paragangliomas and pheochromocytomas; Hereditary Paraganglioma-Pheochromocytoma Syndromes; Hereditary pheochromocytoma-paraganglioma. Identifiers: Orphanet 29072, MedGen C4274332, MONDO:0017366.

Submission:

Labcorp Genetics (formerly Invitae), Labcorp
Classification: Uncertain significance for Hereditary pheochromocytoma and paraganglioma. Last evaluated: 2023-11-24. Review status: criteria provided, single submitter. Criteria: Invitae Variant Classification Sherloc (09022015). Collection method: clinical testing. Allele origin: germline.
Comment: This sequence change falls in intron 3 of the SDHAF2 gene. It does not directly change the encoded amino acid sequence of the SDHAF2 protein. This variant is not present in population databases (gnomAD no frequency). This variant has not been reported in the literature in individuals affected with SDHAF2-related conditions. Algorithms developed to predict the effect of sequence changes on RNA splicing suggest that this variant may create or strengthen a splice site. In summary, the available evidence is currently insufficient to determine the role of this variant in disease. Therefore, it has been classified as a Variant of Uncertain Significance.

NM_017841.4(SDHAF2):c.370+11T>C

Gene: SDHAF2 (succinate dehydrogenase complex assembly factor 2; plus strand). Cytogenetic location: 11q12.2.
Variant type: single nucleotide variant.
Coding change: c.370+11T>C on transcript NM_017841.4 (MANE Select); 11 bases into the intron after coding-DNA position 370, T replaced by C.
Molecular consequence: intron variant.
Genome position (GRCh38, 1-based): chr11:61,438,124, T>C. VCF-style: chr11-61438124-T-C. GRCh37 (hg19) VCF-style: chr11-61205596-T-C.
Identifiers: ClinVar variation 3010480 (VCV003010480.3), dbSNP rs2540125082, ClinGen allele CA2740093047.